The following is an entry in ClinVar:

NM_007294.4(BRCA1):c.3680A>T (p.Gln1227Leu)

Genes: BRCA1 (BRCA1 DNA repair associated; minus strand), LOC126862571 (BRD4-independent group 4 enhancer GRCh37_chr17:41243136-41244335; plus strand). Cytogenetic location: 17q21.31.
Variant type: single nucleotide variant.
Coding change: c.3680A>T on transcript NM_007294.4 (MANE Select); coding-DNA position 3680, A replaced by T.
Protein change: p.Gln1227Leu; replaces glutamine 1227 with leucine.
Molecular consequence: missense variant. On other transcripts: intron variant (135).
Genome position (GRCh38, 1-based): chr17:43,091,851, T>A on the plus strand (A>T on the coding strand, the complement: BRCA1 is on the minus strand). VCF-style: chr17-43091851-T-A. GRCh37 (hg19) VCF-style: chr17-41243868-T-A.
Other names: c.3467A>T, p.Gln1156Leu (NM_001407571.1, NM_001407853.1, NM_001407894.1 and 9 more transcripts); c.3680A>T, p.Gln1227Leu (NM_001407581.1, NM_001407582.1, NM_001407583.1 and 30 more transcripts); c.3677A>T, p.Gln1226Leu (NM_001407587.1, NM_001407590.1, NM_001407591.1 and 22 more transcripts); c.3671A>T, p.Gln1224Leu (NM_001407646.1, NM_001407647.1); c.3557A>T, p.Gln1186Leu (NM_001407648.1, NM_001407664.1, NM_001407665.1 and 19 more transcripts); c.3554A>T, p.Gln1185Leu (NM_001407649.1, NM_001407670.1, NM_001407671.1 and 11 more transcripts); c.3602A>T, p.Gln1201Leu (NM_001407653.1, NM_001407654.1, NM_001407655.1 and 4 more transcripts); c.3599A>T, p.Gln1200Leu (NM_001407659.1, NM_001407660.1, NM_001407661.1 and 1 more transcripts); and 41 more; short protein forms Q1059L, Q1099L, Q1100L, Q1115L, Q1116L, Q1138L, Q1139L, Q1156L.
Identifiers: ClinVar variation 3074391 (VCV003074391.2), dbSNP rs1295353818, ClinGen allele CA10594605.
Genomic context (GRCh38, chr17:43,091,851, plus strand): 5'-ACGGTGCTATGCCTAGTAGACTGAGAAGGTATATTGTTTACTTTACCAAATAACAAGTGT[T>A]GGAAGCAGGGAAGCTCTTCATCCTCACTAGATAAGTTCTCTTCTGAGGACTCTAATTTCT-3'
Protein context (NP_009225.1, residues 1217-1237): SSEDEELPCF[Gln1227Leu]HLLFGKVNNI

ClinVar aggregate classification (germline): Uncertain significance. Review status: criteria provided, multiple submitters, no conflicts (2 of 4 stars). 2 submissions from 2 submitters: Uncertain significance (2). Last evaluated 2024-05-17.

Conditions:
Hereditary cancer-predisposing syndrome. Also called: Tumor predisposition; Neoplastic Syndromes, Hereditary; Hereditary Cancer Syndrome; Hereditary neoplastic syndrome. Identifiers: Orphanet 140162, MedGen C0027672, MeSH D009386, MONDO:0015356.
Breast-ovarian cancer, familial, susceptibility to, 1 (BROVCA1). Also called: BRCA1 Hereditary Breast and Ovarian Cancer; OVARIAN CANCER, SUSCEPTIBILITY TO. Identifiers: Orphanet 145, MedGen C2676676, MONDO:0011450, OMIM 604370. Disease mechanism: loss of function.

Submissions (2):

Ambry Genetics
Classification: Uncertain significance for Hereditary cancer-predisposing syndrome. Last evaluated: 2024-05-17. Review status: criteria provided, single submitter. Criteria: Ambry Variant Classification Scheme 2023. Collection method: clinical testing. Allele origin: germline.
Comment: The p.Q1227L variant (also known as c.3680A>T), located in coding exon 9 of the BRCA1 gene, results from an A to T substitution at nucleotide position 3680. The glutamine at codon 1227 is replaced by leucine, an amino acid with dissimilar properties. This amino acid position is conserved. In addition, the in silico prediction for this alteration is inconclusive. Based on the available evidence, the clinical significance of this variant remains unclear.

All of Us Research Program, National Institutes of Health
Classification: Uncertain significance for Breast-ovarian cancer, familial, susceptibility to, 1. Last evaluated: 2023-11-02. Review status: criteria provided, single submitter. Criteria: ACMG Guidelines, 2015. Collection method: clinical testing. Allele origin: germline. Inheritance: Autosomal dominant inheritance. Observed: 1 variant allele, 1 heterozygote.
Comment: This missense variant replaces glutamine with leucine at codon 1227 of the BRCA1 protein. Computational prediction is inconclusive regarding the impact of this variant on protein structure and function (internally defined REVEL score threshold 0.5 < inconclusive < 0.7, PMID: 27666373). To our knowledge, functional studies have not been reported for this variant. This variant has not been reported in individuals affected with BRCA1-related disorders in the literature. This variant has not been identified in the general population by the Genome Aggregation Database (gnomAD). The available evidence is insufficient to determine the role of this variant in disease conclusively. Therefore, this variant is classified as a Variant of Uncertain Significance.

This study involves interpretation of variants in research participants for the purpose of population health screening. Participant phenotype was not available at the time of variant classification. Additional details can be found in publication PMID: 35346344, PMCID: PMC8962531